The following is an entry in ClinVar:

ClinVar aggregate classification (germline): Conflicting classifications of pathogenicity. Review status: criteria provided, conflicting classifications (1 of 4 stars). 3 submissions from 3 submitters: Likely pathogenic (1); Uncertain significance (2). Last evaluated 2024-05-01.

Conditions:
Intellectual disability, X-linked 102 (MRXSSB). Also called: Intellectual developmental disorder, X-linked syndromic, Snijders Blok type. Identifiers: Orphanet 457260, MedGen C5393299, MONDO:0010497, OMIM 300958.

Submissions (3):

CeGaT Center for Human Genetics Tuebingen
Classification: Uncertain significance. Last evaluated: 2024-05-01. Review status: criteria provided, single submitter. Criteria: CeGaT Center For Human Genetics Tuebingen Variant Classification Criteria Version 2. Collection method: clinical testing. Allele origin: germline. Affected: yes. Observed: 1 variant allele.
Comment: DDX3X: PM2, PS2:Moderate, BP3

Genetics and Molecular Pathology, SA Pathology
Classification: Likely pathogenic for Intellectual disability, X-linked 102. Last evaluated: 2023-05-09. Review status: criteria provided, single submitter. Criteria: ACMG Guidelines, 2015. Collection method: clinical testing. Allele origin: germline. Affected: yes.
Comment: The DDX3X c.1852_1866del variant is classified as Likely Pathogenic (PS2, PM2, PM4_supporting) This DDX3X c.1852_1866del variant results in an inframe deletion in exon 16/17, resulting in the shortening of the 3' end of the protein by 5 amino acids. No other pathogenic variants have been reported downstream of this variant to date and the effect of the predicted protein shortening on function is unknown (PM4_supporting). This variant is absent from population databases (PM2). This variant is not known to be located in a conserved and well-established functional domain or mutational hot spot (PM1 not met). This variant has not been reported in dbSNP, ClinVar or HGMD.

Labcorp Genetics (formerly Invitae), Labcorp
Classification: Uncertain significance. Last evaluated: 2022-02-17. Review status: criteria provided, single submitter. Criteria: Invitae Variant Classification Sherloc (09022015). Collection method: clinical testing. Allele origin: germline.
Comment: This variant, c.1849_1863del, results in the deletion of 5 amino acid(s) of the DDX3X protein (p.Ala617_Arg621del), but otherwise preserves the integrity of the reading frame. This variant is not present in population databases (gnomAD no frequency). This variant has not been reported in the literature in individuals affected with DDX3X-related conditions. In summary, the available evidence is currently insufficient to determine the role of this variant in disease. Therefore, it has been classified as a Variant of Uncertain Significance.

NM_001356.5(DDX3X):c.1852_1866del (p.Ala618_Arg622del)

Gene: DDX3X (DEAD-box helicase 3 X-linked; plus strand). Cytogenetic location: Xp11.4.
Variant type: Deletion.
Coding change: c.1852_1866del on transcript NM_001356.5 (MANE Select); coding-DNA positions 1852 to 1866, 15 bases deleted (GCAAGCAGCAGCCGC).
Protein change: p.Ala618_Arg622del.
Molecular consequence: inframe deletion. On other transcripts: non-coding transcript variant (1).
Genome position (GRCh38, 1-based): chrX:41,347,394-41,347,408, GCAAGCAGCAGCCGC deleted; deleting any 15 consecutive bases within chrX:41,347,382-41,347,408 gives the same sequence; the c. name uses the placement nearest the transcript's 3' end. VCF-style (leftmost placement, unchanged base first): chrX-41347381-CAGCAGCAGCCGCGCA-C. GRCh37 (hg19) VCF-style: chrX-41206634-CAGCAGCAGCCGCGCA-C.
Other names: c.1849_1863del, p.Ala617_Arg621del (NM_001193416.3); c.1804_1818del, p.Ala602_Arg606del (NM_001193417.3); c.1291_1305del, p.Ala431_Arg435del (NM_001363819.1).
Identifiers: ClinVar variation 2097708 (VCV002097708.24), dbSNP rs942326584, ClinGen allele CA2580060385.